The following is an entry in ClinVar:

NM_000092.5(COL4A4):c.3271G>C (p.Gly1091Arg)

Gene: COL4A4 (collagen type IV alpha 4 chain; minus strand). Cytogenetic location: 2q36.3.
Variant type: single nucleotide variant.
Coding change: c.3271G>C on transcript NM_000092.5 (MANE Select); coding-DNA position 3271, G replaced by C.
Protein change: p.Gly1091Arg; replaces glycine 1091 with arginine.
Molecular consequence: missense variant.
Genome position (GRCh38, 1-based): chr2:227,047,493, C>G on the plus strand (G>C on the coding strand, the complement: COL4A4 is on the minus strand). VCF-style: chr2-227047493-C-G. GRCh37 (hg19) VCF-style: chr2-227912209-C-G.
Other names: c.3271G>C (NM_000092.4); short protein forms G1091R.
Identifiers: ClinVar variation 1386856 (VCV001386856.9), dbSNP rs1973129665, ClinGen allele CA350838653.

ClinVar aggregate classification (germline): Pathogenic/Likely pathogenic. Review status: criteria provided, multiple submitters, no conflicts (2 of 4 stars). 2 submissions from 2 submitters: Pathogenic (1); Likely pathogenic (1). Last evaluated 2025-08-29.

Conditions:
Alport syndrome. Also called: Hemorrhagic familial nephritis; Hemorrhagic hereditary nephritis; Congenital hereditary hematuria. Identifiers: Orphanet 63, MedGen C1567741, MONDO:0018965.

Allele frequency attached by ClinVar (database versions not stated): gnomAD exomes below 0.00001.
gnomAD v4.1: 1 of 1,613,762 alleles (0.000062%); highest among the groups gnomAD compares: Non-Finnish European, 0.000085%; no homozygotes.

Submissions (2):

Natera, Inc.
Classification: Likely pathogenic for Alport syndrome. Last evaluated: 2025-08-29. Review status: criteria provided, single submitter. Criteria: Natera Variant Classification Schema (03/2026). Collection method: clinical testing. Allele origin: germline.
Comment: The c.3271G>C variant in COL4A4 is a missense variant predicted to cause substitution of glycine to arginine at amino acid 1091. This variant is rare in the general population with a frequency below the threshold expected for the associated phenotype(s). This variant is located in a functionally critical region of the protein. Computational prediction algorithms indicate this variant is likely to affect gene or protein function. Given the available evidence, this variant is classified as Likely Pathogenic.

Labcorp Genetics (formerly Invitae), Labcorp
Classification: Pathogenic. Last evaluated: 2024-01-05. Review status: criteria provided, single submitter. Criteria: Invitae Variant Classification Sherloc (09022015). Collection method: clinical testing. Allele origin: germline.
Comment: This sequence change replaces glycine, which is neutral and non-polar, with arginine, which is basic and polar, at codon 1091 of the COL4A4 protein (p.Gly1091Arg). This variant is not present in population databases (gnomAD no frequency). This missense change has been observed in individual(s) with clinical features of autosomal recessive Alport syndrome (Invitae). In at least one individual the data is consistent with being in trans (on the opposite chromosome) from a pathogenic variant. It has also been observed to segregate with disease in related individuals. ClinVar contains an entry for this variant (Variation ID: 1386856). Advanced modeling of protein sequence and biophysical properties (such as structural, functional, and spatial information, amino acid conservation, physicochemical variation, residue mobility, and thermodynamic stability) performed at Invitae indicates that this missense variant is expected to disrupt COL4A4 protein function with a positive predictive value of 95%. For these reasons, this variant has been classified as Pathogenic.